The following is an entry in ClinVar:

NM_017934.7(PHIP):c.2769+3T>G

Gene: PHIP (PHIP subunit of CUL4-Ring ligase complex; minus strand). Cytogenetic location: 6q14.1.
Variant type: single nucleotide variant.
Coding change: c.2769+3T>G on transcript NM_017934.7 (MANE Select); 3 bases into the intron after coding-DNA position 2769, T replaced by G.
Molecular consequence: intron variant.
Genome position (GRCh38, 1-based): chr6:78,982,883, A>C on the plus strand (T>G on the coding strand, the complement: PHIP is on the minus strand). VCF-style: chr6-78982883-A-C. GRCh37 (hg19) VCF-style: chr6-79692600-A-C.
Identifiers: ClinVar variation 2303213 (VCV002303213.2), dbSNP rs1768631310, ClinGen allele CA1640392187.

ClinVar aggregate classification (germline): Uncertain significance (1 of 4 stars; one submission).

Conditions:
Inborn genetic diseases. Identifiers: MedGen C0950123, MeSH D030342.

Allele frequency attached by ClinVar (database versions not stated): TOPMed below 0.00001.

Submission:

Ambry Genetics
Classification: Uncertain significance for Inborn genetic diseases. Last evaluated: 2022-08-30. Review status: criteria provided, single submitter. Criteria: Ambry Variant Classification Scheme 2023. Collection method: clinical testing. Allele origin: germline.
Comment: The c.2769+3T>G intronic alteration consists of a T to G substitution 3 nucleotides after exon 23 of the PHIP gene. Based on insufficient or conflicting evidence, the clinical significance of this alteration remains unclear.